The following is an entry in ClinVar:

ClinVar aggregate classification (germline): Likely benign. Review status: criteria provided, multiple submitters, no conflicts (2 of 4 stars). 3 submissions from 3 submitters: Likely benign (3). Last evaluated 2025-11-05.

Conditions:
Hypertrophic cardiomyopathy. Also called: HYPERTROPHIC MYOCARDIOPATHY. Identifiers: Orphanet 217569, MedGen C0007194, MeSH D002312, MONDO:0005045, HP:0001639.

Allele frequency attached by ClinVar (database versions not stated): gnomAD exomes 0.00001; TOPMed 0.00001; gnomAD 0.00003.
gnomAD v4.1: 18 of 1,614,116 alleles (0.0011%); highest among the groups gnomAD compares: Non-Finnish European, 0.0015%; no homozygotes.

Submissions (3):

Labcorp Genetics (formerly Invitae), Labcorp
Classification: Likely benign for Hypertrophic cardiomyopathy. Last evaluated: 2025-11-05. Review status: criteria provided, single submitter. Criteria: Invitae Variant Classification Sherloc (09022015). Collection method: clinical testing. Allele origin: germline.

Blueprint Genetics
Classification: Likely benign. Last evaluated: 2024-01-25. Review status: criteria provided, single submitter. Criteria: ACMG Guidelines, 2015. Collection method: clinical testing. Allele origin: germline.

GeneDx
Classification: Likely benign. Last evaluated: 2017-05-02. Review status: criteria provided, single submitter. Criteria: GeneDx Variant Classification (06012015). Collection method: clinical testing. Allele origin: germline. Affected: yes.
Comment: This variant is considered likely benign or benign based on one or more of the following criteria: it is a conservative change, it occurs at a poorly conserved position in the protein, it is predicted to be benign by multiple in silico algorithms, and/or has population frequency not consistent with disease.

NM_000257.4(MYH7):c.2423+19A>G

Genes: MYH7 (myosin heavy chain 7; minus strand), LOC126861898 (BRD4-independent group 4 enhancer GRCh37_chr14:23893609-23894808; plus strand). Cytogenetic location: 14q11.2.
Variant type: single nucleotide variant.
Coding change: c.2423+19A>G on transcript NM_000257.4 (MANE Select); 19 bases into the intron after coding-DNA position 2423, A replaced by G.
Molecular consequence: intron variant.
Genome position (GRCh38, 1-based): chr14:23,425,263, T>C on the plus strand (A>G on the coding strand, the complement: MYH7 is on the minus strand). VCF-style: chr14-23425263-T-C. GRCh37 (hg19) VCF-style: chr14-23894472-T-C.
Other names: c.2423+19A>G (LRG_384t1).
Identifiers: ClinVar variation 517904 (VCV000517904.10), dbSNP rs746018500, ClinGen allele CA257819644.
Genomic context (GRCh38, chr14:23,425,263, plus strand): 5'-TGAGCTTTTTTTCCTGACACTGCCCCTGAACCAGCCTGGGCCTCAGAGAAGCGGGAAACC[T>C]CCTCTTGAGATCTCTCACCTACGTTCCAGCAGCTTTTTGTACTCCATTCTGGCGAGCACA-3'